The following is an entry in ClinVar:

ClinVar aggregate classification (germline): Uncertain significance (1 of 4 stars; one submission).

Conditions:
Myoclonic dystonia 26. Identifiers: MedGen C4225341, MONDO:0014620, OMIM 616398.

Allele frequency attached by ClinVar (database versions not stated): gnomAD 0.00001; gnomAD exomes 0.00001; TOPMed 0.00001.

Submission:

Labcorp Genetics (formerly Invitae), Labcorp
Classification: Uncertain significance for Myoclonic dystonia 26. Last evaluated: 2023-12-16. Review status: criteria provided, single submitter. Criteria: Invitae Variant Classification Sherloc (09022015). Collection method: clinical testing. Allele origin: germline.
Comment: This sequence change replaces alanine, which is neutral and non-polar, with valine, which is neutral and non-polar, at codon 21 of the KCTD17 protein (p.Ala21Val). This variant is not present in population databases (gnomAD no frequency). This variant has not been reported in the literature in individuals affected with KCTD17-related conditions. ClinVar contains an entry for this variant (Variation ID: 843510). Algorithms developed to predict the effect of missense changes on protein structure and function output the following: SIFT: "Not Available"; PolyPhen-2: "Possibly Damaging"; Align-GVGD: "Not Available". The valine amino acid residue is found in multiple mammalian species, which suggests that this missense change does not adversely affect protein function. In summary, the available evidence is currently insufficient to determine the role of this variant in disease. Therefore, it has been classified as a Variant of Uncertain Significance.

NM_001282684.2(KCTD17):c.41C>T (p.Ala14Val)

Genes: KCTD17 (potassium channel tetramerization domain containing 17; plus strand), LOC130067340 (ATAC-STARR-seq lymphoblastoid silent region 13677; plus strand). Cytogenetic location: 22q12.3.
Variant type: single nucleotide variant.
Coding change: c.41C>T on transcript NM_001282684.2 (MANE Select); coding-DNA position 41, C replaced by T.
Protein change: p.Ala14Val; replaces alanine 14 with valine.
Molecular consequence: missense variant.
Genome position (GRCh38, 1-based): chr22:37,051,801, C>T. VCF-style: chr22-37051801-C-T. GRCh37 (hg19) VCF-style: chr22-37447841-C-T.
Other names: c.41C>T, p.Ala14Val (NM_001282685.2, NM_001282686.2, NM_024681.4); short protein forms A21V, A14V.
Identifiers: ClinVar variation 843510 (VCV000843510.8), dbSNP rs1300974634, ClinGen allele CA411412561.
Genomic context (GRCh38, chr22:37,051,801, plus strand): 5'-TGCAGACGCCGCGGCCGGCGATGAGGATGGAGGCCGGGGAGGCAGCGCCGCCGGCGGGGG[C>T]GGGCGGCCGCGCCGCAGGCGGCTGGGGCAAGTGGGTGCGGCTCAACGTGGGGGGCACGGT-3'
Protein context (NP_001269613.2, residues 4-24): EAGEAAPPAG[Ala14Val]GGRAAGGWGK